The following is an entry in ClinVar:

ClinVar aggregate classification (germline): Uncertain significance (1 of 4 stars; one submission).

Allele frequency attached by ClinVar (database versions not stated): gnomAD 0.00001; gnomAD exomes 0.00001; ExAC 0.00002; TOPMed 0.00002.
gnomAD v4.1: 5 of 1,614,052 alleles (0.00031%); highest among the groups gnomAD compares: African/African-American, 0.0027%; no homozygotes.

Submission:

Labcorp Genetics (formerly Invitae), Labcorp
Classification: Uncertain significance. Last evaluated: 2024-02-26. Review status: criteria provided, single submitter. Criteria: Invitae Variant Classification Sherloc (09022015). Collection method: clinical testing. Allele origin: germline.
Comment: This sequence change replaces alanine, which is neutral and non-polar, with threonine, which is neutral and polar, at codon 14 of the MS4A1 protein (p.Ala14Thr). This variant is present in population databases (rs766227660, gnomAD 0.01%). This variant has not been reported in the literature in individuals affected with MS4A1-related conditions. ClinVar contains an entry for this variant (Variation ID: 1525362). Algorithms developed to predict the effect of missense changes on protein structure and function output the following: SIFT: "Not Available"; PolyPhen-2: "Benign"; Align-GVGD: "Not Available". The threonine amino acid residue is found in multiple mammalian species, which suggests that this missense change does not adversely affect protein function. In summary, the available evidence is currently insufficient to determine the role of this variant in disease. Therefore, it has been classified as a Variant of Uncertain Significance.

NM_152866.3(MS4A1):c.40G>A (p.Ala14Thr)

Gene: MS4A1 (membrane spanning 4-domains A1; plus strand). Cytogenetic location: 11q12.2.
Variant type: single nucleotide variant.
Coding change: c.40G>A on transcript NM_152866.3 (MANE Select); coding-DNA position 40, G replaced by A.
Protein change: p.Ala14Thr; replaces alanine 14 with threonine.
Molecular consequence: missense variant.
Genome position (GRCh38, 1-based): chr11:60,462,414, G>A. VCF-style: chr11-60462414-G-A. GRCh37 (hg19) VCF-style: chr11-60229887-G-A.
Other names: c.40G>A, p.Ala14Thr (NM_021950.4, NM_152867.2); short protein forms A14T.
Identifiers: ClinVar variation 1525362 (VCV001525362.8), dbSNP rs766227660, ClinGen allele CA6024853.